The following is an entry in ClinVar:

ClinVar aggregate classification (germline): Likely pathogenic (1 of 4 stars; one submission).

gnomAD v4.1: 1 of 1,612,806 alleles (0.000062%); highest among the groups gnomAD compares: Admixed American, 0.0017%; no homozygotes.

Submission:

GeneDx
Classification: Likely pathogenic. Last evaluated: 2026-04-07. Review status: criteria provided, single submitter. Criteria: GeneDx Variant Classification Process June 2021. Collection method: clinical testing. Allele origin: germline.
Comment: Has not been previously published as pathogenic or benign to our knowledge; Canonical splice site variant predicted to result in an in-frame loss of the adjacent exon in a gene for which loss of function is a known mechanism of disease; Not observed at significant frequency in large population cohorts (gnomAD)

NM_001943.5(DSG2):c.1879+1G>A

Gene: DSG2 (desmoglein 2; plus strand). Cytogenetic location: 18q12.1.
Variant type: single nucleotide variant.
Coding change: c.1879+1G>A on transcript NM_001943.5 (MANE Select); the canonical splice donor site of the intron after coding-DNA position 1879, G replaced by A.
Molecular consequence: splice donor variant.
Genome position (GRCh38, 1-based): chr18:31,538,979, G>A. VCF-style: chr18-31538979-G-A. GRCh37 (hg19) VCF-style: chr18-29118942-G-A.
Identifiers: ClinVar variation 3766159 (VCV003766159.2).
Genomic context (GRCh38, chr18:31,538,979, plus strand): 5'-ATGTGGGCCTGGGACCCGCAGCAATTGCGCTCATGATTTTGGCCTTTCTGCTCCTGCTAT[G>A]TAAGTCTTTAAAAGCCACTCTGTTGTGCTTTTGGGAATCTGAGTGCACTCCTGGAGATGT-3'